The following is an entry in ClinVar:

NM_000492.4(CFTR):c.3403_3404dup (p.Leu1135fs)

Genes: CFTR (CF transmembrane conductance regulator; plus strand), CFTR-AS2 (CFTR antisense RNA 2; minus strand). Cytogenetic location: 7q31.2.
Variant type: Duplication.
Coding change: c.3403_3404dup on transcript NM_000492.4 (MANE Select); coding-DNA positions 3403 to 3404, 2 bases duplicated (TT; older notation c.3403_3404dupTT).
Protein change: p.Leu1135fs; shifts the reading frame from leucine 1135.
Molecular consequence: frameshift variant.
Genome position (GRCh38, 1-based): chr7:117,614,648-117,614,649, TT duplicated; duplicating any 2 consecutive bases within chr7:117,614,647-117,614,649 gives the same sequence; the c. name uses the placement nearest the transcript's 3' end. VCF-style (leftmost placement, unchanged base first): chr7-117614646-C-CTT. GRCh37 (hg19) VCF-style: chr7-117254700-C-CTT.
Other names: short protein forms L1135fs.
Identifiers: ClinVar variation 4818534 (VCV004818534.1).

ClinVar aggregate classification (germline): Likely pathogenic (1 of 4 stars; one submission).

Conditions:
CFTR-related disorder (CFTR-RD). Also called: CFTR-related disorders; CFTR-related condition. Identifiers: MedGen C5924204, MONDO:7770004.

Submission:

Natera, Inc.
Classification: Likely pathogenic for CFTR-related disorders. Last evaluated: 2025-10-21. Review status: criteria provided, single submitter. Criteria: Natera Variant Classification Schema (03/2026). Collection method: clinical testing. Allele origin: germline.
Comment: The c.3403_3404dup variant in CFTR is a frameshift variant predicted to shift the reading frame beginning at codon 1135 and leads to a stop codon 2 codons downstream. This variant is expected to result in nonsense mediated decay, truncation, or a dysfunctional protein product. This variant is rare in the general population with a frequency below the threshold expected for the associated phenotype(s). Given the available evidence, this variant is classified as Likely Pathogenic.